The following is an entry in ClinVar:

NM_020706.2(SCAF4):c.350G>T (p.Trp117Leu)

Gene: SCAF4 (SR-related CTD associated factor 4; minus strand). Cytogenetic location: 21q22.11.
Variant type: single nucleotide variant.
Coding change: c.350G>T on transcript NM_020706.2 (MANE Select); coding-DNA position 350, G replaced by T.
Protein change: p.Trp117Leu; replaces tryptophan 117 with leucine.
Molecular consequence: missense variant.
Genome position (GRCh38, 1-based): chr21:31,702,351, C>A on the plus strand (G>T on the coding strand, the complement: SCAF4 is on the minus strand). VCF-style: chr21-31702351-C-A. GRCh37 (hg19) VCF-style: chr21-33074664-C-A.
Other names: c.305G>T, p.Trp102Leu (NM_001145444.1); c.350G>T, p.Trp117Leu (NM_001145445.1); short protein forms W102L, W117L.
Identifiers: ClinVar variation 3731162 (VCV003731162.1).
Genomic context (GRCh38, chr21:31,702,351, plus strand): 5'-CCCGCTGCCATGTCCAAAAGAGGTTGAATAATTTCAATTTTGAACACTCCATTTTTTTGC[C>A]AAAGGTTCAGCACACGAACTATTTTACTCTGTTACGCATGAGAAACACAAATATACAATA-3'
Protein context (NP_065757.1, residues 107-127): KSKIVRVLNL[Trp117Leu]QKNGVFKIEI

ClinVar aggregate classification (germline): Uncertain significance (1 of 4 stars; one submission).

Submission:

GeneDx
Classification: Uncertain significance. Last evaluated: 2024-08-12. Review status: criteria provided, single submitter. Criteria: GeneDx Variant Classification Process June 2021. Collection method: clinical testing. Allele origin: germline. Affected: yes.
Comment: Not observed at significant frequency in large population cohorts (gnomAD); In silico analysis supports that this missense variant has a deleterious effect on protein structure/function; Has not been previously published as pathogenic or benign to our knowledge